The following is an entry in ClinVar:

NM_130466.4(UBE3B):c.1786G>A (p.Gly596Arg)

Gene: UBE3B (ubiquitin protein ligase E3B; plus strand). Cytogenetic location: 12q24.11.
Variant type: single nucleotide variant.
Coding change: c.1786G>A on transcript NM_130466.4 (MANE Select); coding-DNA position 1786, G replaced by A.
Protein change: p.Gly596Arg; replaces glycine 596 with arginine.
Molecular consequence: missense variant.
Genome position (GRCh38, 1-based): chr12:109,510,388, G>A. VCF-style: chr12-109510388-G-A. GRCh37 (hg19) VCF-style: chr12-109948193-G-A.
Other names: c.1786G>A (NM_130466.2); c.1786G>A, p.Gly596Arg (NM_183415.3); short protein forms G596R.
Identifiers: ClinVar variation 2156217 (VCV002156217.5), dbSNP rs534563601, ClinGen allele CA243438526.

ClinVar aggregate classification (germline): Uncertain significance. Review status: criteria provided, multiple submitters, no conflicts (2 of 4 stars). 2 submissions from 2 submitters: Uncertain significance (2). Last evaluated 2025-08-13.

Conditions:
Inborn genetic diseases. Identifiers: MedGen C0950123, MeSH D030342.

Allele frequency attached by ClinVar (database versions not stated): gnomAD 0.00001; 1000 Genomes Project 30x 0.00016; 1000 Genomes Project 0.00020.
gnomAD v4.1: 9 of 1,612,760 alleles (0.00056%); highest among the groups gnomAD compares: Admixed American, 0.0033%; no homozygotes.

Submissions (2):

Ambry Genetics
Classification: Uncertain significance for Inborn genetic diseases. Last evaluated: 2025-08-13. Review status: criteria provided, single submitter. Criteria: Ambry Variant Classification Scheme 2023. Collection method: clinical testing. Allele origin: germline.

Labcorp Genetics (formerly Invitae), Labcorp
Classification: Uncertain significance. Last evaluated: 2023-08-04. Review status: criteria provided, single submitter. Criteria: Invitae Variant Classification Sherloc (09022015). Collection method: clinical testing. Allele origin: germline.
Comment: This sequence change replaces glycine, which is neutral and non-polar, with arginine, which is basic and polar, at codon 596 of the UBE3B protein (p.Gly596Arg). The frequency data for this variant in the population databases is considered unreliable, as metrics indicate poor data quality at this position in the gnomAD database. This variant has not been reported in the literature in individuals affected with UBE3B-related conditions. ClinVar contains an entry for this variant (Variation ID: 2156217). Advanced modeling of protein sequence and biophysical properties (such as structural, functional, and spatial information, amino acid conservation, physicochemical variation, residue mobility, and thermodynamic stability) performed at Invitae indicates that this missense variant is not expected to disrupt UBE3B protein function. In summary, the available evidence is currently insufficient to determine the role of this variant in disease. Therefore, it has been classified as a Variant of Uncertain Significance.